The following is an entry in ClinVar:

NM_001750.7(CAST):c.1755G>A (p.Gln585=)

Gene: CAST (calpastatin; plus strand). Cytogenetic location: 5q15.
Variant type: single nucleotide variant.
Coding change: c.1755G>A on transcript NM_001750.7 (MANE Select); coding-DNA position 1755, G replaced by A.
Protein change: p.Gln585=; no amino-acid change (glutamine 585 retained).
Molecular consequence: synonymous variant. On other transcripts: non-coding transcript variant (1).
Genome position (GRCh38, 1-based): chr5:96,757,488, G>A. VCF-style: chr5-96757488-G-A. GRCh37 (hg19) VCF-style: chr5-96093192-G-A.
Other names: c.1632G>A (NM_001042440.4); c.1632G>A, p.Gln544= (NM_001042440.5, NM_001330627.2); c.1698G>A, p.Gln566= (NM_001042441.3); c.1689G>A, p.Gln563= (NM_001042442.3, NM_001329966.1); c.1506G>A, p.Gln502= (NM_001042443.3); c.1383G>A, p.Gln461= (NM_001042444.3, NM_001284212.4); c.1401G>A, p.Gln467= (NM_001042445.3); c.1344G>A, p.Gln448= (NM_001042446.3, NM_001330630.2); and 9 more.
Identifiers: ClinVar variation 2050430 (VCV002050430.6), dbSNP rs147929213, ClinGen allele CA3351441.

ClinVar aggregate classification (germline): Likely benign. Review status: criteria provided, single submitter (1 of 4 stars). 2 submissions from 2 submitters: Likely benign (1). 1 of the submissions does not count toward it. Last evaluated 2025-10-03.

Conditions:
CAST-related disorder. Also called: CAST-related condition.

Allele frequency attached by ClinVar (database versions not stated): 1000 Genomes Project 0.00060; gnomAD exomes 0.00005; ExAC 0.00016; TOPMed 0.00035; ESP Exome Variant Server 0.00038; gnomAD 0.00044; 1000 Genomes Project 30x 0.00047.
gnomAD v4.1: 181 of 1,614,086 alleles (0.011%); highest among the groups gnomAD compares: African/African-American, 0.17%; 2 homozygotes.

Submissions (2):

Labcorp Genetics (formerly Invitae), Labcorp
Classification: Likely benign. Last evaluated: 2025-10-03. Review status: criteria provided, single submitter. Criteria: Invitae Variant Classification Sherloc (09022015). Collection method: clinical testing. Allele origin: germline.

PreventionGenetics, part of Exact Sciences
Classification: Likely benign for CAST-related condition. Last evaluated: 2019-05-02. Review status: no assertion criteria provided. Collection method: clinical testing. Allele origin: germline. Not counted in ClinVar's aggregate classification.
Comment: This variant is classified as likely benign based on ACMG/AMP sequence variant interpretation guidelines (Richards et al. 2015 PMID: 25741868, with internal and published modifications).